The following is an entry in ClinVar:

ClinVar aggregate classification (germline): Likely benign. Review status: criteria provided, multiple submitters, no conflicts (2 of 4 stars). 5 submissions from 5 submitters: Likely benign (5). Last evaluated 2025-10-23.

Conditions:
Cardiovascular phenotype. Identifiers: MedGen CN230736.
Dilated cardiomyopathy 1G (CMD1G). Identifiers: Orphanet 154, MedGen C1858763, MONDO:0011400, OMIM 604145.
Autosomal recessive limb-girdle muscular dystrophy type 2J (LGMDR10). Also called: Limb-girdle muscular dystrophy, type 2J; MUSCULAR DYSTROPHY, LIMB-GIRDLE, AUTOSOMAL RECESSIVE 10. Identifiers: Orphanet 140922, MedGen C1837342, MONDO:0012127, OMIM 608807.

Allele frequency attached by ClinVar (database versions not stated): gnomAD exomes below 0.00001 and 0.00001; gnomAD 0.00001; TOPMed 0.00001.
gnomAD v4.1: 21 of 1,612,488 alleles (0.0013%); highest among the groups gnomAD compares: East Asian, 0.031%; no homozygotes.

Submissions (5):

Labcorp Genetics (formerly Invitae), Labcorp
Classification: Likely benign for Dilated cardiomyopathy 1G; Autosomal recessive limb-girdle muscular dystrophy type 2J. Last evaluated: 2025-10-23. Review status: criteria provided, single submitter. Criteria: Invitae Variant Classification Sherloc (09022015). Collection method: clinical testing. Allele origin: germline.

Mayo Clinic Laboratories, Mayo Clinic
Classification: Likely benign. Last evaluated: 2024-12-30. Review status: criteria provided, single submitter. Criteria: ACMG Guidelines, 2015. Collection method: clinical testing. Allele origin: germline. Observed: 1 variant allele.
Comment: BP4, BP7

Blueprint Genetics
Classification: Likely benign. Last evaluated: 2024-01-22. Review status: criteria provided, single submitter. Criteria: ACMG Guidelines, 2015. Collection method: clinical testing. Allele origin: germline.

Ambry Genetics
Classification: Likely benign for Cardiovascular phenotype. Last evaluated: 2021-09-21. Review status: criteria provided, single submitter. Criteria: Ambry Variant Classification Scheme 2023. Collection method: clinical testing. Allele origin: germline.

GeneDx
Classification: Likely benign. Last evaluated: 2018-04-10. Review status: criteria provided, single submitter. Criteria: GeneDx Variant Classification (06012015). Collection method: clinical testing. Allele origin: germline. Affected: yes.
Comment: This variant is considered likely benign or benign based on one or more of the following criteria: it is a conservative change, it occurs at a poorly conserved position in the protein, it is predicted to be benign by multiple in silico algorithms, and/or has population frequency not consistent with disease.

NM_001267550.2(TTN):c.49806G>A (p.Ala16602=)

Genes: TTN (titin; minus strand), TTN-AS1 (TTN antisense RNA 1; plus strand). Cytogenetic location: 2q31.2.
Variant type: single nucleotide variant.
Coding change: c.49806G>A on transcript NM_001267550.2 (MANE Select); coding-DNA position 49806, G replaced by A.
Protein change: p.Ala16602=; no amino-acid change (alanine 16602 retained).
Molecular consequence: synonymous variant.
Genome position (GRCh38, 1-based): chr2:178,612,915, C>T on the plus strand (G>A on the coding strand, the complement: TTN is on the minus strand). VCF-style: chr2-178612915-C-T. GRCh37 (hg19) VCF-style: chr2-179477642-C-T.
Other names: p.Ala14961=; c.44883G>A, p.Ala14961= (NM_001256850.1); c.22611G>A, p.Ala7537= (NM_003319.4); c.42102G>A, p.Ala14034= (NM_133378.4); c.22986G>A, p.Ala7662= (NM_133432.3); c.23187G>A, p.Ala7729= (NM_133437.4).
Identifiers: ClinVar variation 682163 (VCV000682163.13), dbSNP rs1373317697, ClinGen allele CA430273458.